The following is an entry in ClinVar:

ClinVar aggregate classification (germline): Uncertain significance (1 of 4 stars; one submission).

Conditions:
Developmental and epileptic encephalopathy, 9 (DEE9). Also called: JUBERG-HELLMAN SYNDROME; PCDH19-Related X-Linked Female-Limited Epilepsy with Mental Retardation; Early infantile epileptic encephalopathy 9; EPILEPSY, FEMALE-RESTRICTED, WITH MENTAL RETARDATION. Identifiers: Orphanet 101039, Orphanet 2076, MedGen C1848137, MONDO:0010246, OMIM 300088. Disease mechanism: loss of function.

Submission:

Labcorp Genetics (formerly Invitae), Labcorp
Classification: Uncertain significance for Developmental and epileptic encephalopathy, 9. Last evaluated: 2022-03-19. Review status: criteria provided, single submitter. Criteria: Invitae Variant Classification Sherloc (09022015). Collection method: clinical testing. Allele origin: germline.
Comment: In summary, the available evidence is currently insufficient to determine the role of this variant in disease. Therefore, it has been classified as a Variant of Uncertain Significance. Advanced modeling of protein sequence and biophysical properties (such as structural, functional, and spatial information, amino acid conservation, physicochemical variation, residue mobility, and thermodynamic stability) performed at Invitae indicates that this missense variant is expected to disrupt PCDH19 protein function. ClinVar contains an entry for this variant (Variation ID: 1015269). This variant has not been reported in the literature in individuals affected with PCDH19-related conditions. This variant is not present in population databases (gnomAD no frequency). This sequence change replaces aspartic acid, which is acidic and polar, with glutamic acid, which is acidic and polar, at codon 537 of the PCDH19 protein (p.Asp537Glu).

NM_001184880.2(PCDH19):c.1611C>A (p.Asp537Glu)

Gene: PCDH19 (protocadherin 19; minus strand). Cytogenetic location: Xq22.1.
Variant type: single nucleotide variant.
Coding change: c.1611C>A on transcript NM_001184880.2 (MANE Select); coding-DNA position 1611, C replaced by A.
Protein change: p.Asp537Glu; replaces aspartic acid 537 with glutamic acid.
Molecular consequence: missense variant.
Genome position (GRCh38, 1-based): chrX:100,406,987, G>T on the plus strand (C>A on the coding strand, the complement: PCDH19 is on the minus strand). VCF-style: chrX-100406987-G-T. GRCh37 (hg19) VCF-style: chrX-99661985-G-T.
Other names: c.1611C>A, p.Asp537Glu (NM_001105243.2, NM_020766.3); short protein forms D537E.
Identifiers: ClinVar variation 1015269 (VCV001015269.9), dbSNP rs766582540, ClinGen allele CA414002340.
Genomic context (GRCh38, chrX:100,406,987, plus strand): 5'-GTTGACGTCGAGGATGATGACCCGCACCGTAGCGTTGCTTTGCAGTGAGGGAAGGCCGCC[G>T]TCCTTGGCCAGCACCTTGAATTCGAACGCCTTGGTCTGCTCGTGGTTAAAGGATCGCAGC-3'
Protein context (NP_001171809.1, residues 527-547): KAFEFKVLAK[Asp537Glu]GGLPSLQSNA